The following is an entry in ClinVar:

ClinVar aggregate classification (germline): Uncertain significance. Review status: criteria provided, multiple submitters, no conflicts (2 of 4 stars). 2 submissions from 2 submitters: Uncertain significance (2). Last evaluated 2025-04-21.

Conditions:
Trichorhinophalangeal dysplasia type I (TRPS1). Also called: TRICHORHINOPHALANGEAL SYNDROME, TYPE I; TRPS I. Identifiers: Orphanet 77258, MedGen C0432233, MONDO:0008596, OMIM 190350.
Trichorhinophalangeal syndrome, type III (TRPS3). Also called: SUGIO-KAJII SYNDROME. Identifiers: Orphanet 77258, MedGen C1860823, OMIM 190351, MONDO:0008597.
Inborn genetic diseases. Identifiers: MedGen C0950123, MeSH D030342.

Submissions (2):

Labcorp Genetics (formerly Invitae), Labcorp
Classification: Uncertain significance for Trichorhinophalangeal syndrome, type III; Trichorhinophalangeal dysplasia type I. Last evaluated: 2025-04-21. Review status: criteria provided, single submitter. Criteria: Invitae Variant Classification Sherloc (09022015). Collection method: clinical testing. Allele origin: germline.
Comment: This sequence change replaces lysine, which is basic and polar, with arginine, which is basic and polar, at codon 390 of the TRPS1 protein (p.Lys390Arg). This variant is not present in population databases (gnomAD no frequency). This variant has not been reported in the literature in individuals affected with TRPS1-related conditions. Invitae Evidence Modeling of protein sequence and biophysical properties (such as structural, functional, and spatial information, amino acid conservation, physicochemical variation, residue mobility, and thermodynamic stability) indicates that this missense variant is not expected to disrupt TRPS1 protein function with a negative predictive value of 80%. In summary, the available evidence is currently insufficient to determine the role of this variant in disease. Therefore, it has been classified as a Variant of Uncertain Significance.

Ambry Genetics
Classification: Uncertain significance for Inborn genetic diseases. Last evaluated: 2025-04-13. Review status: criteria provided, single submitter. Criteria: Ambry Variant Classification Scheme 2023. Collection method: clinical testing. Allele origin: germline.

NM_014112.5(TRPS1):c.1169A>G (p.Lys390Arg)

Gene: TRPS1 (transcriptional repressor GATA binding 1; minus strand). Cytogenetic location: 8q23.3.
Variant type: single nucleotide variant.
Coding change: c.1169A>G on transcript NM_014112.5 (MANE Select); coding-DNA position 1169, A replaced by G.
Protein change: p.Lys390Arg; replaces lysine 390 with arginine.
Molecular consequence: missense variant.
Genome position (GRCh38, 1-based): chr8:115,604,800, T>C on the plus strand (A>G on the coding strand, the complement: TRPS1 is on the minus strand). VCF-style: chr8-115604800-T-C. GRCh37 (hg19) VCF-style: chr8-116617027-T-C.
Other names: c.1142A>G, p.Lys381Arg (NM_001282902.3); c.1148A>G, p.Lys383Arg (NM_001282903.3); c.1130A>G, p.Lys377Arg (NM_001330599.2); short protein forms K377R, K381R, K390R, K383R.
Identifiers: ClinVar variation 3974398 (VCV003974398.2).
Genomic context (GRCh38, chr8:115,604,800, plus strand): 5'-CATTTTCCCAAGTCTCCAGAATCACTGGATTGAAGTGCAGGGATGGACTTGTTAGAGTTT[T>C]TCTCTGAAGGTTTTGCAACCTCAGAGGAGGGGAGAGAAGCTTTTATTTTGTTTGGGTGAG-3'
Protein context (NP_054831.2, residues 380-400): PSSEVAKPSE[Lys390Arg]NSNKSIPALQ